The following is an entry in ClinVar:

NM_001164508.2(NEB):c.9517G>A (p.Asp3173Asn)

Gene: NEB (nebulin; minus strand). Cytogenetic location: 2q23.3.
Variant type: single nucleotide variant.
Coding change: c.9517G>A on transcript NM_001164508.2 (MANE Select); coding-DNA position 9517, G replaced by A.
Protein change: p.Asp3173Asn; replaces aspartic acid 3173 with asparagine.
Molecular consequence: missense variant. On other transcripts: intron variant (1).
Genome position (GRCh38, 1-based): chr2:151,631,244, C>T on the plus strand (G>A on the coding strand, the complement: NEB is on the minus strand). VCF-style: chr2-151631244-C-T. GRCh37 (hg19) VCF-style: chr2-152487758-C-T.
Other names: c.9517G>A, p.Asp3173Asn (NM_001164507.2, NM_001271208.2); c.8854-66G>A (NM_004543.5); short protein forms D3173N.
Identifiers: ClinVar variation 1370117 (VCV001370117.6), dbSNP rs376224722, ClinGen allele CA1909298.

ClinVar aggregate classification (germline): Uncertain significance (1 of 4 stars; one submission).

Conditions:
Nemaline myopathy 2 (NEM2). Also called: Nemaline myopathy 2, autosomal recessive. Identifiers: MedGen C1850569, MONDO:0009725, OMIM 256030.

Allele frequency attached by ClinVar (database versions not stated): ExAC 0.00002; TOPMed 0.00002; ESP Exome Variant Server 0.00022; gnomAD exomes below 0.00001 and 0.00001; gnomAD 0.00001.
gnomAD v4.1: 2 of 1,613,834 alleles (0.00012%); highest among the groups gnomAD compares: Admixed American, 0.0017%; no homozygotes.

Submission:

Labcorp Genetics (formerly Invitae), Labcorp
Classification: Uncertain significance for Nemaline myopathy 2. Last evaluated: 2021-11-18. Review status: criteria provided, single submitter. Criteria: Invitae Variant Classification Sherloc (09022015). Collection method: clinical testing. Allele origin: germline.
Comment: In summary, the available evidence is currently insufficient to determine the role of this variant in disease. Therefore, it has been classified as a Variant of Uncertain Significance. Algorithms developed to predict the effect of missense changes on protein structure and function are either unavailable or do not agree on the potential impact of this missense change (SIFT: "Deleterious"; PolyPhen-2: "Not Available"; Align-GVGD: "Class C0"). This variant has not been reported in the literature in individuals affected with NEB-related conditions. This variant is present in population databases (rs376224722, gnomAD 0.003%). This sequence change replaces aspartic acid, which is acidic and polar, with asparagine, which is neutral and polar, at codon 3173 of the NEB protein (p.Asp3173Asn).